The following is an entry in ClinVar:

ClinVar aggregate classification (germline): Uncertain significance (1 of 4 stars; one submission).

Conditions:
Familial adenomatous polyposis 1 (FAP1). Also called: POLYPOSIS, ADENOMATOUS INTESTINAL; FAMILIAL ADENOMATOUS POLYPOSIS 1, ATTENUATED. Identifiers: MedGen C2713442, MONDO:0021056, OMIM 175100. Disease mechanism: loss of function.

Allele frequency attached by ClinVar (database versions not stated): gnomAD exomes below 0.00001; ExAC 0.00001.

Submission:

Labcorp Genetics (formerly Invitae), Labcorp
Classification: Uncertain significance for Familial adenomatous polyposis 1. Last evaluated: 2022-04-08. Review status: criteria provided, single submitter. Criteria: Invitae Variant Classification Sherloc (09022015). Collection method: clinical testing. Allele origin: germline.
Comment: This variant is present in population databases (rs748490937, gnomAD 0.0009%). In summary, the available evidence is currently insufficient to determine the role of this variant in disease. Therefore, it has been classified as a Variant of Uncertain Significance. Algorithms developed to predict the effect of missense changes on protein structure and function are either unavailable or do not agree on the potential impact of this missense change (SIFT: "Deleterious"; PolyPhen-2: "Probably Damaging"; Align-GVGD: "Class C15"). ClinVar contains an entry for this variant (Variation ID: 470036). This variant has not been reported in the literature in individuals affected with APC-related conditions. This sequence change replaces glutamic acid, which is acidic and polar, with valine, which is neutral and non-polar, at codon 2035 of the APC protein (p.Glu2035Val).

NM_000038.6(APC):c.6104A>T (p.Glu2035Val)

Gene: APC (APC regulator of Wnt signaling pathway; plus strand). Cytogenetic location: 5q22.2.
Variant type: single nucleotide variant.
Coding change: c.6104A>T on transcript NM_000038.6 (MANE Select); coding-DNA position 6104, A replaced by T.
Protein change: p.Glu2035Val; replaces glutamic acid 2035 with valine.
Molecular consequence: missense variant.
Genome position (GRCh38, 1-based): chr5:112,841,698, A>T. VCF-style: chr5-112841698-A-T. GRCh37 (hg19) VCF-style: chr5-112177395-A-T.
Other names: c.6104A>T, p.Glu2035Val (NM_001127510.3, NM_001354895.2); c.6050A>T, p.Glu2017Val (NM_001127511.3); c.6158A>T, p.Glu2053Val (NM_001354896.2); c.6134A>T, p.Glu2045Val (NM_001354897.2); c.6029A>T, p.Glu2010Val (NM_001354898.2); c.6020A>T, p.Glu2007Val (NM_001354899.2); c.5981A>T, p.Glu1994Val (NM_001354900.2); c.5927A>T, p.Glu1976Val (NM_001354901.2); and 5 more; short protein forms E2017V, E2035V, E1752V, E1875V, E1909V, E1994V, E2010V, E1934V.
Identifiers: ClinVar variation 470036 (VCV000470036.10), dbSNP rs748490937, ClinGen allele CA043893.